The following is an entry in ClinVar:

ClinVar aggregate classification (germline): Uncertain significance. Review status: criteria provided, multiple submitters, no conflicts (2 of 4 stars). 2 submissions from 2 submitters: Uncertain significance (2). Last evaluated 2024-09-16.

Submissions (2):

Women's Health and Genetics/Laboratory Corporation of America, LabCorp
Classification: Uncertain significance. Last evaluated: 2024-09-16. Review status: criteria provided, single submitter. Criteria: LabCorp Variant Classification Summary - May 2015. Collection method: clinical testing. Allele origin: germline.
Comment: Variant summary: DSPP c.2310_2327del18 (p.Asp775_Ser780del) results in an in-frame deletion that is predicted to remove 6 amino acids from the encoded protein. The variant allele was found at a frequency of 2.6e-05 in 151956 control chromosomes in the gnomAD database, including 1 homozygote. The available data on variant occurrences in the general population are insufficient to allow any conclusion about variant significance. To our knowledge, no occurrence of c.2310_2327del18 in individuals affected with Dentinogenesis Imperfecta Type 2 and no experimental evidence demonstrating its impact on protein function have been reported. ClinVar contains an entry for this variant (Variation ID: 2441039). Based on the evidence outlined above, the variant was classified as uncertain significance.

Revvity Omics, Revvity
Classification: Uncertain significance. Last evaluated: 2023-07-24. Review status: criteria provided, single submitter. Criteria: ACMG Guidelines, 2015. Collection method: clinical testing. Allele origin: germline.

NM_014208.3(DSPP):c.2292CAGTGACAGCAGTGATAG[1] (p.766DSS[3])

Genes: DMP1-AS1 (DMP1 and DSPP antisense RNA 1; minus strand), DSPP (dentin sialophosphoprotein; plus strand). Cytogenetic location: 4q22.1.
Variant type: Microsatellite.
Coding change: c.2292CAGTGACAGCAGTGATAG[1] on transcript NM_014208.3 (MANE Select); one copy of the 18-base unit CAGTGACAGCAGTGATAG starting at c.2292; the reference has two copies in a row; one copy, 18 bases deleted; also written c.2310_2327del.
Protein change: p.766DSS[3].
Molecular consequence: inframe deletion.
Genome position (GRCh38, 1-based): chr4:87,614,972-87,614,989, CAGTGACAGCAGTGATAG deleted; deleting any 18 consecutive bases within chr4:87,614,952-87,614,989 gives the same sequence; the position shown is the placement nearest the transcript's 3' end. VCF-style (leftmost placement, unchanged base first): chr4-87614951-CAGCAGTGACAGCAGTGAT-C. GRCh37 (hg19) VCF-style: chr4-88536103-CAGCAGTGACAGCAGTGAT-C.
Other names: c.2310_2327del (NM_014208.3); c.2310_2327del18 (NM_014208.3).
Identifiers: ClinVar variation 2441039 (VCV002441039.4), dbSNP rs1270564167, ClinGen allele CA553085386.